The following is an entry in ClinVar:

ClinVar aggregate classification (germline): Likely benign (0 of 4 stars; one submission).

Conditions:
VWA2-related disorder. Also called: VWA2-related condition.

Allele frequency attached by ClinVar (database versions not stated): 1000 Genomes Project 30x 0.00062; 1000 Genomes Project 0.00080.
gnomAD v4.1: 515 of 1,613,344 alleles (0.032%); highest among the groups gnomAD compares: South Asian, 0.54%; 5 homozygotes.

Submission:

PreventionGenetics, part of Exact Sciences
Classification: Likely benign for VWA2-related condition. Last evaluated: 2020-04-20. Review status: no assertion criteria provided. Collection method: clinical testing. Allele origin: germline.
Comment: This variant is classified as likely benign based on ACMG/AMP sequence variant interpretation guidelines (Richards et al. 2015 PMID: 25741868, with internal and published modifications).

NM_001272046.2(VWA2):c.1293G>C (p.Glu431Asp)

Genes: AFAP1L2 (actin filament associated protein 1 like 2; minus strand), VWA2 (von Willebrand factor A domain containing 2; plus strand). Cytogenetic location: 10q25.3.
Variant type: single nucleotide variant.
Coding change: c.1293G>C on transcript NM_001272046.2 (MANE Select); coding-DNA position 1293, G replaced by C.
Protein change: p.Glu431Asp; replaces glutamic acid 431 with aspartic acid.
Molecular consequence: missense variant.
Genome position (GRCh38, 1-based): chr10:114,286,234, G>C. VCF-style: chr10-114286234-G-C. GRCh37 (hg19) VCF-style: chr10-116045993-G-C.
Other names: c.1293G>C, p.Glu431Asp (NM_001320804.1); short protein forms E431D.
Identifiers: ClinVar variation 3046717 (VCV003046717.2), dbSNP rs566742651, ClinGen allele CA5700652.
Genomic context (GRCh38, chr10:114,286,234, plus strand): 5'-TGGCATTCCCTTCCGTGGTGGCCCCACCCTGACGGGCAGTGCCTTGCGGCAGGCGGCAGA[G>C]CGTGGCTTCGGGAGCGCCACCAGGACAGGCCAGGACCGGCCACGTAGAGTGGTGGTTTTG-3'
Protein context (NP_001258975.1, residues 421-441): LTGSALRQAA[Glu431Asp]RGFGSATRTG